The following is an entry in ClinVar:

ClinVar aggregate classification (germline): Uncertain significance (1 of 4 stars; one submission).

Conditions:
Long QT syndrome (LQTS). Identifiers: MedGen C0023976, MeSH D008133, MONDO:0002442. Disease mechanism: loss of function. Inheritance: Various modes of inheritance.

Submission:

Labcorp Genetics (formerly Invitae), Labcorp
Classification: Uncertain significance for Long QT syndrome. Last evaluated: 2019-04-20. Review status: criteria provided, single submitter. Criteria: Invitae Variant Classification Sherloc (09022015). Collection method: clinical testing. Allele origin: germline.
Comment: This sequence change replaces isoleucine with methionine at codon 229 of the KCNJ5 protein (p.Ile229Met). The isoleucine residue is highly conserved and there is a small physicochemical difference between isoleucine and methionine. This variant is not present in population databases (ExAC no frequency). This variant has not been reported in the literature in individuals with KCNJ5-related conditions. Algorithms developed to predict the effect of missense changes on protein structure and function are either unavailable or do not agree on the potential impact of this missense change (SIFT: "Deleterious"; PolyPhen-2: "Probably Damaging"; Align-GVGD: "Class C0"). In summary, the available evidence is currently insufficient to determine the role of this variant in disease. Therefore, it has been classified as a Variant of Uncertain Significance.

NM_000890.5(KCNJ5):c.687C>G (p.Ile229Met)

Gene: KCNJ5 (potassium inwardly rectifying channel subfamily J member 5; plus strand). Cytogenetic location: 11q24.3.
Variant type: single nucleotide variant.
Coding change: c.687C>G on transcript NM_000890.5 (MANE Select); coding-DNA position 687, C replaced by G.
Protein change: p.Ile229Met; replaces isoleucine 229 with methionine.
Molecular consequence: missense variant.
Genome position (GRCh38, 1-based): chr11:128,911,960, C>G. VCF-style: chr11-128911960-C-G. GRCh37 (hg19) VCF-style: chr11-128781855-C-G.
Other names: c.687C>G, p.Ile229Met (NM_001354169.2); short protein forms I229M.
Identifiers: ClinVar variation 854094 (VCV000854094.9), dbSNP rs149327599, ClinGen allele CA383249668.